The following is an entry in ClinVar:

ClinVar aggregate classification (germline): Likely benign (1 of 4 stars; one submission).

Allele frequency attached by ClinVar (database versions not stated): gnomAD exomes below 0.00001.
gnomAD v4.1: 4 of 1,613,830 alleles (0.00025%); highest among the groups gnomAD compares: South Asian, 0.0011%; no homozygotes.

Submission:

CeGaT Center for Human Genetics Tuebingen
Classification: Likely benign. Last evaluated: 2022-07-01. Review status: criteria provided, single submitter. Criteria: CeGaT Center For Human Genetics Tuebingen Variant Classification Criteria Version 2. Collection method: clinical testing. Allele origin: germline. Affected: yes. Observed: 1 variant allele.
Comment: GRIN2B: PM2:Supporting, BP4, BP7

NM_000834.5(GRIN2B):c.1449T>C (p.Asn483=)

Gene: GRIN2B (glutamate ionotropic receptor NMDA type subunit 2B; minus strand). Cytogenetic location: 12p13.1.
Variant type: single nucleotide variant.
Coding change: c.1449T>C on transcript NM_000834.5 (MANE Select); coding-DNA position 1449, T replaced by C.
Protein change: p.Asn483=; no amino-acid change (asparagine 483 retained).
Molecular consequence: synonymous variant.
Genome position (GRCh38, 1-based): chr12:13,615,544, A>G on the plus strand (T>C on the coding strand, the complement: GRIN2B is on the minus strand). VCF-style: chr12-13615544-A-G. GRCh37 (hg19) VCF-style: chr12-13768478-A-G.
Other names: c.1449T>C, p.Asn483= (NM_001413992.1).
Identifiers: ClinVar variation 2642751 (VCV002642751.24), dbSNP rs2497599548, ClinGen allele CA478773396.